The following is an entry in ClinVar:

ClinVar aggregate classification (germline): Uncertain significance (1 of 4 stars; one submission).

Conditions:
Inborn genetic diseases. Identifiers: MedGen C0950123, MeSH D030342.

Allele frequency attached by ClinVar (database versions not stated): gnomAD exomes below 0.00001.
gnomAD v4.1: 1 of 1,613,782 alleles (0.000062%); highest among the groups gnomAD compares: Admixed American, 0.0017%; no homozygotes.

Submission:

Ambry Genetics
Classification: Uncertain significance for Inborn genetic diseases. Last evaluated: 2023-03-23. Review status: criteria provided, single submitter. Criteria: Ambry Variant Classification Scheme 2023. Collection method: clinical testing. Allele origin: germline.
Comment: The p.G107V variant (also known as c.320G>T) is located in coding exon 4 of the MDH2 gene. The glycine at codon 107 is replaced by valine, an amino acid with dissimilar properties. This change occurs in the first base pair of coding exon 4. This amino acid position is conserved. In addition, this alteration is predicted to be deleterious by in silico analysis. Since supporting evidence is limited at this time, the clinical significance of this alteration remains unclear.

NM_005918.4(MDH2):c.320G>T (p.Gly107Val)

Gene: MDH2 (malate dehydrogenase 2; plus strand). Cytogenetic location: 7q11.23.
Variant type: single nucleotide variant.
Coding change: c.320G>T on transcript NM_005918.4 (MANE Select); coding-DNA position 320, G replaced by T.
Protein change: p.Gly107Val; replaces glycine 107 with valine.
Molecular consequence: missense variant. On other transcripts: 5 prime UTR variant (1).
Genome position (GRCh38, 1-based): chr7:76,057,969, G>T. VCF-style: chr7-76057969-G-T. GRCh37 (hg19) VCF-style: chr7-75687287-G-T.
Other names: c.320G>T, p.Gly107Val (NM_001282403.2); c.-2G>T (NM_001282404.2); short protein forms G107V.
Identifiers: ClinVar variation 2561521 (VCV002561521.2), dbSNP rs1554586501, ClinGen allele CA367763959.